The following is an entry in ClinVar:

NM_006846.4(SPINK5):c.3095+2T>C

Gene: SPINK5 (serine peptidase inhibitor Kazal type 5; plus strand). Cytogenetic location: 5q32.
Variant type: single nucleotide variant.
Coding change: c.3095+2T>C on transcript NM_006846.4 (MANE Select); the canonical splice donor site of the intron after coding-DNA position 3095, T replaced by C.
Molecular consequence: splice donor variant.
Genome position (GRCh38, 1-based): chr5:148,131,391, T>C. VCF-style: chr5-148131391-T-C. GRCh37 (hg19) VCF-style: chr5-147510954-T-C.
Other names: c.3185+2T>C (NM_001127698.2).
Identifiers: ClinVar variation 2906593 (VCV002906593.3), dbSNP rs1754569068, ClinGen allele CA361652283.

ClinVar aggregate classification (germline): Likely pathogenic (1 of 4 stars; one submission).

Conditions:
Ichthyosis linearis circumflexa. Identifiers: MedGen C0265962, MONDO:0043106, HP:0025810.

Allele frequency attached by ClinVar (database versions not stated): gnomAD exomes below 0.00001; TOPMed 0.00002.
gnomAD v4.1: 1 of 1,613,844 alleles (0.000062%); highest among the groups gnomAD compares: Admixed American, 0.0017%; no homozygotes.

Submission:

Labcorp Genetics (formerly Invitae), Labcorp
Classification: Likely pathogenic for Ichthyosis linearis circumflexa. Last evaluated: 2022-11-19. Review status: criteria provided, single submitter. Criteria: Invitae Variant Classification Sherloc (09022015). Collection method: clinical testing. Allele origin: germline.
Comment: In summary, the currently available evidence indicates that the variant is pathogenic, but additional data are needed to prove that conclusively. Therefore, this variant has been classified as Likely Pathogenic. Algorithms developed to predict the effect of sequence changes on RNA splicing suggest that this variant may disrupt the consensus splice site. This variant has not been reported in the literature in individuals affected with SPINK5-related conditions. This variant is not present in population databases (gnomAD no frequency). This sequence change affects a donor splice site in intron 31 of the SPINK5 gene. It is expected to disrupt RNA splicing. Variants that disrupt the donor or acceptor splice site typically lead to a loss of protein function (PMID: 16199547), and loss-of-function variants in SPINK5 are known to be pathogenic (PMID: 11511292, 11841556).

Literature cited by the submitters: PubMed 16199547; PubMed 11511292; PubMed 11841556.